The following is an entry in ClinVar:

NM_001365999.1(SZT2):c.6410C>T (p.Pro2137Leu)

Gene: SZT2 (SZT2 subunit of KICSTOR complex; plus strand). Cytogenetic location: 1p34.2.
Variant type: single nucleotide variant.
Coding change: c.6410C>T on transcript NM_001365999.1 (MANE Select); coding-DNA position 6410, C replaced by T.
Protein change: p.Pro2137Leu; replaces proline 2137 with leucine.
Molecular consequence: missense variant.
Genome position (GRCh38, 1-based): chr1:43,437,804, C>T. VCF-style: chr1-43437804-C-T. GRCh37 (hg19) VCF-style: chr1-43903475-C-T.
Other names: c.6239C>T (NM_015284.3); c.6239C>T, p.Pro2080Leu (NM_015284.4); short protein forms P2080L, P2137L.
Identifiers: ClinVar variation 2137893 (VCV002137893.6), dbSNP rs753588432, ClinGen allele CA809882.

ClinVar aggregate classification (germline): Uncertain significance. Review status: criteria provided, multiple submitters, no conflicts (2 of 4 stars). 4 submissions from 4 submitters: Uncertain significance (4). Last evaluated 2025-03-26.

Conditions:
Inborn genetic diseases. Identifiers: MedGen C0950123, MeSH D030342.
Developmental and epileptic encephalopathy, 18 (DEE18). Also called: Early infantile epileptic encephalopathy 18. Identifiers: Orphanet 369894, MedGen C3809624, MONDO:0014201, OMIM 615476.

Allele frequency attached by ClinVar (database versions not stated): gnomAD exomes below 0.00001; gnomAD 0.00001; ExAC 0.00002; TOPMed 0.00004.
gnomAD v4.1: 10 of 1,614,058 alleles (0.00062%); highest among the groups gnomAD compares: Admixed American, 0.0033%; no homozygotes.

Submissions (4):

GeneDx
Classification: Uncertain significance. Last evaluated: 2025-03-26. Review status: criteria provided, single submitter. Criteria: GeneDx Variant Classification Process June 2021. Collection method: clinical testing. Allele origin: germline. Affected: yes.
Comment: Not observed at significant frequency in large population cohorts (gnomAD); In silico analysis indicates that this missense variant does not alter protein structure/function; Has not been previously published as pathogenic or benign to our knowledge

Labcorp Genetics (formerly Invitae), Labcorp
Classification: Uncertain significance. Last evaluated: 2023-10-13. Review status: criteria provided, single submitter. Criteria: Invitae Variant Classification Sherloc (09022015). Collection method: clinical testing. Allele origin: germline.
Comment: This sequence change replaces proline, which is neutral and non-polar, with leucine, which is neutral and non-polar, at codon 2080 of the SZT2 protein (p.Pro2080Leu). This variant is present in population databases (rs753588432, gnomAD 0.006%). This variant has not been reported in the literature in individuals affected with SZT2-related conditions. ClinVar contains an entry for this variant (Variation ID: 2137893). Advanced modeling of protein sequence and biophysical properties (such as structural, functional, and spatial information, amino acid conservation, physicochemical variation, residue mobility, and thermodynamic stability) performed at Invitae indicates that this missense variant is not expected to disrupt SZT2 protein function. In summary, the available evidence is currently insufficient to determine the role of this variant in disease. Therefore, it has been classified as a Variant of Uncertain Significance.

Ambry Genetics
Classification: Uncertain significance for Inborn genetic diseases. Last evaluated: 2023-04-25. Review status: criteria provided, single submitter. Criteria: Ambry Variant Classification Scheme 2023. Collection method: clinical testing. Allele origin: germline.

Genome-Nilou Lab
Classification: Uncertain significance for Developmental and epileptic encephalopathy, 18. Last evaluated: 2023-04-11. Review status: criteria provided, single submitter. Criteria: ACMG Guidelines, 2015. Collection method: clinical testing. Allele origin: germline. Affected: no.